The following is an entry in ClinVar:

NM_006017.3(PROM1):c.1330C>T (p.Leu444=)

Gene: PROM1 (prominin 1; minus strand). Cytogenetic location: 4p15.32.
Variant type: single nucleotide variant.
Coding change: c.1330C>T on transcript NM_006017.3 (MANE Select); coding-DNA position 1330, C replaced by T.
Protein change: p.Leu444=; no amino-acid change (leucine 444 retained).
Molecular consequence: synonymous variant.
Genome position (GRCh38, 1-based): chr4:16,006,662, G>A on the plus strand (C>T on the coding strand, the complement: PROM1 is on the minus strand). VCF-style: chr4-16006662-G-A. GRCh37 (hg19) VCF-style: chr4-16008285-G-A.
Other names: c.1330C>T (NM_006017.2); c.1303C>T, p.Leu435= (NM_001145847.2, NM_001145848.2, NM_001145851.2 and 4 more transcripts); c.1330C>T, p.Leu444= (NM_001145849.2, NM_001145850.2).
Identifiers: ClinVar variation 1090385 (VCV001090385.11), dbSNP rs368868012, ClinGen allele CA2866797.

ClinVar aggregate classification (germline): Likely benign. Review status: criteria provided, multiple submitters, no conflicts (2 of 4 stars). 3 submissions from 3 submitters: Likely benign (3). Last evaluated 2025-12-23.

Conditions:
PROM1-related disorder. Also called: PROM1-related disorders; PROM1-related condition.

Allele frequency attached by ClinVar (database versions not stated): gnomAD exomes 0.00002 and 0.00006; ExAC 0.00009; 1000 Genomes Project 30x 0.00016; ESP Exome Variant Server 0.00016; 1000 Genomes Project 0.00020; gnomAD 0.00026 and 0.00028; TOPMed 0.00027.
gnomAD v4.1: 65 of 1,613,222 alleles (0.004%); highest among the groups gnomAD compares: African/African-American, 0.081%; no homozygotes.

Submissions (3):

Labcorp Genetics (formerly Invitae), Labcorp
Classification: Likely benign. Last evaluated: 2025-12-23. Review status: criteria provided, single submitter. Criteria: Invitae Variant Classification Sherloc (09022015). Collection method: clinical testing. Allele origin: germline.

PreventionGenetics, part of Exact Sciences
Classification: Likely benign for PROM1-related condition. Last evaluated: 2024-10-07. Review status: criteria provided, single submitter. Criteria: ACMG Guidelines, 2015. Collection method: clinical testing. Allele origin: germline.
Comment: This variant is classified as likely benign based on ACMG/AMP sequence variant interpretation guidelines (Richards et al. 2015 PMID: 25741868, with internal and published modifications).

Blueprint Genetics
Classification: Likely benign. Last evaluated: 2022-11-16. Review status: criteria provided, single submitter. Criteria: ACMG Guidelines, 2015. Collection method: clinical testing. Allele origin: germline.